The following is an entry in ClinVar:

ClinVar aggregate classification (germline): Benign. Review status: criteria provided, multiple submitters, no conflicts (2 of 4 stars). 2 submissions from 2 submitters: Benign (2). Last evaluated 2018-06-14.

Allele frequency attached by ClinVar (database versions not stated): ESP Exome Variant Server 0.01438; gnomAD exomes 0.02923; ExAC 0.03607; gnomAD 0.07210 and 0.07593; 1000 Genomes Project 0.08127; TOPMed 0.08539; 1000 Genomes Project 30x 0.08916.
gnomAD v4.1: 33,829 of 1,606,382 alleles (2.1%); highest among the groups gnomAD compares: African/African-American, 19%; 2,322 homozygotes.

Submissions (2):

GeneDx
Classification: Benign. Last evaluated: 2018-06-14. Review status: criteria provided, single submitter. Criteria: GeneDx Variant Classification (06012015). Collection method: clinical testing. Allele origin: germline. Affected: yes.
Comment: This variant is considered likely benign or benign based on one or more of the following criteria: it is a conservative change, it occurs at a poorly conserved position in the protein, it is predicted to be benign by multiple in silico algorithms, and/or has population frequency not consistent with disease.

Breakthrough Genomics
Classification: Benign. Review status: criteria provided, single submitter. Criteria: ACMG Guidelines, 2015. Collection method: not provided. Allele origin: germline. Inheritance: Autosomal recessive inheritance. Affected: yes.

NM_001378454.1(ALMS1):c.12362+24C>T

Gene: ALMS1 (ALMS1 centrosome and basal body associated protein; plus strand). Cytogenetic location: 2p13.1.
Variant type: single nucleotide variant.
Coding change: c.12362+24C>T on transcript NM_001378454.1 (MANE Select); 24 bases into the intron after coding-DNA position 12362, C replaced by T.
Molecular consequence: intron variant.
Genome position (GRCh38, 1-based): chr2:73,603,328, C>T. VCF-style: chr2-73603328-C-T. GRCh37 (hg19) VCF-style: chr2-73830455-C-T.
Other names: c.12362+24C>T (NM_015120.4); c.12365+24C>T (NM_015120.4).
Identifiers: ClinVar variation 677832 (VCV000677832.2), dbSNP rs114375547, ClinGen allele CA1715547.
Genomic context (GRCh38, chr2:73,603,328, plus strand): 5'-CTATCAGCAAGAAGGAAATGATTCAGAGGTCCAAACGGTAAGACCAAGAAAACAAGAGTA[C>T]GTATACAAGTGTAAACCAGGCCACCAAGTGGTCGGGAGCTCTGGCTTGCACCCAGAATAA-3'